The following is an entry in ClinVar:

NM_001080477.4(TENM3):c.3547G>A (p.Asp1183Asn)

Gene: TENM3 (teneurin transmembrane protein 3; plus strand). Cytogenetic location: 4q35.1.
Variant type: single nucleotide variant.
Coding change: c.3547G>A on transcript NM_001080477.4 (MANE Select); coding-DNA position 3547, G replaced by A.
Protein change: p.Asp1183Asn; replaces aspartic acid 1183 with asparagine.
Molecular consequence: missense variant.
Genome position (GRCh38, 1-based): chr4:182,743,337, G>A. VCF-style: chr4-182743337-G-A. GRCh37 (hg19) VCF-style: chr4-183664490-G-A.
Other names: c.3547G>A, p.Asp1183Asn (NM_001415975.1, NM_001415968.1, NM_001415969.1 and 4 more transcripts); c.3268G>A, p.Asp1090Asn (NM_001415976.1, NM_001415977.1, NM_001415966.1 and 1 more transcripts); c.2758G>A, p.Asp920Asn (NM_001415960.1); c.2731G>A, p.Asp911Asn (NM_001415961.1, NM_001415962.1, NM_001415963.1 and 1 more transcripts); short protein forms D911N, D1090N, D1183N, D920N.
Identifiers: ClinVar variation 1901591 (VCV001901591.5), dbSNP rs759146233, ClinGen allele CA3148197.

ClinVar aggregate classification (germline): Uncertain significance (1 of 4 stars; one submission).

Allele frequency attached by ClinVar (database versions not stated): ExAC 0.00004; gnomAD 0.00009; TOPMed 0.00017.
gnomAD v4.1: 72 of 1,613,862 alleles (0.0045%); highest among the groups gnomAD compares: Admixed American, 0.045%; no homozygotes.

Submission:

Labcorp Genetics (formerly Invitae), Labcorp
Classification: Uncertain significance. Last evaluated: 2022-02-24. Review status: criteria provided, single submitter. Criteria: Invitae Variant Classification Sherloc (09022015). Collection method: clinical testing. Allele origin: germline.
Comment: This variant has not been reported in the literature in individuals affected with TENM3-related conditions. This sequence change replaces aspartic acid, which is acidic and polar, with asparagine, which is neutral and polar, at codon 1183 of the TENM3 protein (p.Asp1183Asn). This variant is present in population databases (rs759146233, gnomAD 0.04%). Algorithms developed to predict the effect of missense changes on protein structure and function are either unavailable or do not agree on the potential impact of this missense change (SIFT: "Deleterious"; PolyPhen-2: "Benign"; Align-GVGD: "Class C0"). In summary, the available evidence is currently insufficient to determine the role of this variant in disease. Therefore, it has been classified as a Variant of Uncertain Significance.